The following is an entry in ClinVar:

NM_000214.3(JAG1):c.3452C>A (p.Thr1151Lys)

Gene: JAG1 (jagged canonical Notch ligand 1; minus strand). Cytogenetic location: 20p12.2.
Variant type: single nucleotide variant.
Coding change: c.3452C>A on transcript NM_000214.3 (MANE Select); coding-DNA position 3452, C replaced by A.
Protein change: p.Thr1151Lys; replaces threonine 1151 with lysine.
Molecular consequence: missense variant.
Genome position (GRCh38, 1-based): chr20:10,639,703, G>T on the plus strand (C>A on the coding strand, the complement: JAG1 is on the minus strand). VCF-style: chr20-10639703-G-T. GRCh37 (hg19) VCF-style: chr20-10620351-G-T.
Other names: short protein forms T1151K.
Identifiers: ClinVar variation 1367823 (VCV001367823.10), dbSNP rs1362853052, ClinGen allele CA408242905.

ClinVar aggregate classification (germline): Uncertain significance. Review status: criteria provided, multiple submitters, no conflicts (2 of 4 stars). 2 submissions from 2 submitters: Uncertain significance (2). Last evaluated 2022-07-05.

Conditions:
Alagille syndrome due to a JAG1 point mutation. Also called: Alagille Syndrome 1; HEPATIC DUCTULAR HYPOPLASIA, SYNDROMATIC; JAG1-Related Alagille Syndrome. Identifiers: Orphanet 261619, Orphanet 52, MedGen C1956125, MONDO:0016862, OMIM 118450.
Cardiovascular phenotype. Identifiers: MedGen CN230736.

Allele frequency attached by ClinVar (database versions not stated): gnomAD exomes below 0.00001; gnomAD 0.00001.

Submissions (2):

Labcorp Genetics (formerly Invitae), Labcorp
Classification: Uncertain significance for Alagille syndrome due to a JAG1 point mutation. Last evaluated: 2022-07-05. Review status: criteria provided, single submitter. Criteria: Invitae Variant Classification Sherloc (09022015). Collection method: clinical testing. Allele origin: germline.
Comment: This variant is not present in population databases (gnomAD no frequency). In summary, the available evidence is currently insufficient to determine the role of this variant in disease. Therefore, it has been classified as a Variant of Uncertain Significance. Advanced modeling of protein sequence and biophysical properties (such as structural, functional, and spatial information, amino acid conservation, physicochemical variation, residue mobility, and thermodynamic stability) performed at Invitae indicates that this missense variant is not expected to disrupt JAG1 protein function. ClinVar contains an entry for this variant (Variation ID: 1367823). This variant has not been reported in the literature in individuals affected with JAG1-related conditions. This sequence change replaces threonine, which is neutral and polar, with lysine, which is basic and polar, at codon 1151 of the JAG1 protein (p.Thr1151Lys).

Ambry Genetics
Classification: Uncertain significance for Cardiovascular phenotype. Last evaluated: 2022-05-20. Review status: criteria provided, single submitter. Criteria: Ambry Variant Classification Scheme 2023. Collection method: clinical testing. Allele origin: germline.
Comment: The p.T1151K variant (also known as c.3452C>A), located in coding exon 26 of the JAG1 gene, results from a C to A substitution at nucleotide position 3452. The threonine at codon 1151 is replaced by lysine, an amino acid with similar properties. This amino acid position is conserved. In addition, this alteration is predicted to be deleterious by in silico analysis. Since supporting evidence is limited at this time, the clinical significance of this alteration remains unclear.